The following is an entry in ClinVar:

NM_001039591.3(USP9X):c.5213C>T (p.Thr1738Met)

Gene: USP9X (ubiquitin specific peptidase 9 X-linked; plus strand). Cytogenetic location: Xp11.4.
Variant type: single nucleotide variant.
Coding change: c.5213C>T on transcript NM_001039591.3 (MANE Select); coding-DNA position 5213, C replaced by T.
Protein change: p.Thr1738Met; replaces threonine 1738 with methionine.
Molecular consequence: missense variant.
Genome position (GRCh38, 1-based): chrX:41,214,591, C>T. VCF-style: chrX-41214591-C-T. GRCh37 (hg19) VCF-style: chrX-41073844-C-T.
Other names: c.5213C>T, p.Thr1738Met (NM_001039590.3); c.5228C>T, p.Thr1743Met (NM_001410748.1, NM_001410749.1); short protein forms T1738M, T1743M.
Identifiers: ClinVar variation 2580602 (VCV002580602.1), dbSNP rs2519366804, ClinGen allele CA412787463.
Genomic context (GRCh38, chrX:41,214,591, plus strand): 5'-AACTAAGGGATAAATCCTTTTTTTAAATCGTTTTTAGGTACGAATGTGAAGAATCTTTTA[C>T]GACCCTAAACGTAGACATTAGAAATCACCAAAATCTTCTTGATTCTTTGGAACAGTATGT-3'
Protein context (NP_001034680.2, residues 1728-1748): PHRYECEESF[Thr1738Met]TLNVDIRNHQ

ClinVar aggregate classification (germline): Likely pathogenic (1 of 4 stars; one submission).

Submission:

GeneDx
Classification: Likely pathogenic. Last evaluated: 2023-09-21. Review status: criteria provided, single submitter. Criteria: GeneDx Variant Classification Process June 2021. Collection method: clinical testing. Allele origin: germline. Affected: yes.
Comment: Not observed at significant frequency in large population cohorts (gnomAD); In silico analysis supports that this missense variant has a deleterious effect on protein structure/function; Has not been previously published as pathogenic or benign to our knowledge